The following is an entry in ClinVar:

ClinVar aggregate classification (germline): Pathogenic/Likely pathogenic. Review status: criteria provided, multiple submitters, no conflicts (2 of 4 stars). 3 submissions from 3 submitters: Pathogenic (2); Likely pathogenic (1). Last evaluated 2026-02-24.

Conditions:
PROM1-related disorder. Also called: PROM1-related condition; PROM1-related disorders.

Allele frequency attached by ClinVar (database versions not stated): gnomAD 0.00001; TOPMed 0.00002.
gnomAD v4.1: 3 of 1,595,556 alleles (0.00019%); highest among the groups gnomAD compares: African/African-American, 0.004%; no homozygotes.

Submissions (3):

PreventionGenetics, part of Exact Sciences
Classification: Pathogenic for PROM1-related condition. Last evaluated: 2026-02-24. Review status: criteria provided, single submitter. Criteria: ACMG Guidelines, 2015. Collection method: clinical testing. Allele origin: germline.
Comment: The PROM1 c.1579-2A>C variant is predicted to disrupt the AG splice acceptor site and interfere with normal splicing. To our knowledge, this variant has not been reported in the literature or in a large population database (gnomAD), indicating it is rare. Variants that disrupt the consensus splice acceptor site in PROM1 are expected to be pathogenic. For example, alternate nucleotide changes impacting the same splice acceptor site have been reported with an additional PROM1 variant in individuals with autosomal recessive retinal disease (for example, c.1579-1G>C in Carss et al. 2016. PubMed ID: 28041643; c.1579-2A>T in Table S2 of Zampaglione et al. 2020. PubMed ID: 32037395). Taken together, the c.1579-2A>C variant is interpreted as pathogenic.

Labcorp Genetics (formerly Invitae), Labcorp
Classification: Pathogenic. Last evaluated: 2023-08-17. Review status: criteria provided, single submitter. Criteria: Invitae Variant Classification Sherloc (09022015). Collection method: clinical testing. Allele origin: germline.
Comment: ClinVar contains an entry for this variant (Variation ID: 866155). For these reasons, this variant has been classified as Pathogenic. Algorithms developed to predict the effect of sequence changes on RNA splicing suggest that this variant may disrupt the consensus splice site. Disruption of this splice site has been observed in individuals with autosomal recessive inherited retinal dystrophy (PMID: 26103963, 28041643). This variant is not present in population databases (gnomAD no frequency). This sequence change affects an acceptor splice site in intron 13 of the PROM1 gene. It is expected to disrupt RNA splicing. Variants that disrupt the donor or acceptor splice site typically lead to a loss of protein function (PMID: 16199547), and loss-of-function variants in PROM1 are known to be pathogenic (PMID: 17605048, 19718270, 24154662, 25474345).

Blueprint Genetics
Classification: Likely pathogenic for PROM1-related disorders. Last evaluated: 2022-10-03. Review status: criteria provided, single submitter. Criteria: ACMG Guidelines, 2015. Collection method: clinical testing. Allele origin: germline. Affected: yes. Observed: 5 variant alleles.

Literature cited by the submitters: PubMed 26103963 (cited by Labcorp Genetics (formerly Invitae), Labcorp); PubMed 28041643 (cited by Labcorp Genetics (formerly Invitae), Labcorp); PubMed 16199547 (cited by Labcorp Genetics (formerly Invitae), Labcorp); PubMed 17605048 (cited by Labcorp Genetics (formerly Invitae), Labcorp); PubMed 19718270 (cited by Labcorp Genetics (formerly Invitae), Labcorp); PubMed 24154662 (cited by Labcorp Genetics (formerly Invitae), Labcorp); PubMed 25474345 (cited by Labcorp Genetics (formerly Invitae), Labcorp).

NM_006017.3(PROM1):c.1579-2A>C

Gene: PROM1 (prominin 1; minus strand). Cytogenetic location: 4p15.32.
Variant type: single nucleotide variant.
Coding change: c.1579-2A>C on transcript NM_006017.3 (MANE Select); the canonical splice acceptor site of the intron before coding-DNA position 1579, A replaced by C.
Molecular consequence: splice acceptor variant.
Genome position (GRCh38, 1-based): chr4:15,998,490, T>G on the plus strand (A>C on the coding strand, the complement: PROM1 is on the minus strand). VCF-style: chr4-15998490-T-G. GRCh37 (hg19) VCF-style: chr4-16000113-T-G.
Other names: c.1552-2A>C (NM_001145848.2, NM_001145852.2, NM_001145847.2 and 4 more transcripts); c.1579-2A>C (NM_001145850.2, NM_001145849.2).
Identifiers: ClinVar variation 866155 (VCV000866155.11), dbSNP rs1472802723, ClinGen allele CA356432151.
Genomic context (GRCh38, chr4:15,998,490, plus strand): 5'-AGCTTCCCAGAGAGATAGTATTCCCAGTCTTCATTTAGTAAGTAGGGTGTATCCAAAACC[T>G]AGAACACATTAGGAAGTATTTTCGAAAAATCAGTTTTACACTAACATACATACTAATATA-3'